The following is an entry in ClinVar:

ClinVar aggregate classification (germline): Pathogenic (1 of 4 stars; one submission).

Submission:

Labcorp Genetics (formerly Invitae), Labcorp
Classification: Pathogenic. Last evaluated: 2022-03-10. Review status: criteria provided, single submitter. Criteria: Invitae Variant Classification Sherloc (09022015). Collection method: clinical testing. Allele origin: germline.
Comment: This variant is a gross deletion of the genomic region encompassing exon(s) 18 of the KIF11 gene. This deletion is out-of-frame, and is expected to create a premature termination codon and result in an absent or disrupted protein product. Loss-of-function variants in KIF11 are known to be pathogenic (PMID: 22284827, 24281367). This variant has not been reported in the literature in individuals affected with KIF11-related conditions. For these reasons, this variant has been classified as Pathogenic.

Literature cited by the submitters: PubMed 22284827; PubMed 24281367.

NC_000010.10:g.(?_94405120)_(94405399_?)del

Gene: KIF11 (kinesin family member 11; plus strand). Cytogenetic location: 10q23.33.
Variant type: Deletion.
Identifiers: ClinVar variation 1071386 (VCV001071386.2).